The following is an entry in ClinVar:

NM_000059.4(BRCA2):c.2056C>G (p.Leu686Val)

Gene: BRCA2 (BRCA2 DNA repair associated; plus strand). Cytogenetic location: 13q13.1.
Variant type: single nucleotide variant.
Coding change: c.2056C>G on transcript NM_000059.4 (MANE Select); coding-DNA position 2056, C replaced by G.
Protein change: p.Leu686Val; replaces leucine 686 with valine.
Molecular consequence: missense variant. On other transcripts: non-coding transcript variant (1), intron variant (2).
Genome position (GRCh38, 1-based): chr13:32,336,411, C>G. VCF-style: chr13-32336411-C-G. GRCh37 (hg19) VCF-style: chr13-32910548-C-G.
Other names: c.2056C>G, p.Leu686Val (NM_001406719.1, NM_001406720.1); c.1909+3024C>G (NM_001406721.1); c.424+5381C>G (NM_001406722.1); short protein forms L686V.
Identifiers: ClinVar variation 2822986 (VCV002822986.4), dbSNP rs1135401896, ClinGen allele CA387768997.
Genomic context (GRCh38, chr13:32,336,411, plus strand): 5'-ATTCTGAGGAAATGTTCTAGAAATGAAACATGTTCTAATAATACAGTAATCTCTCAGGAT[C>G]TTGATTATAAAGAAGCAAAATGTAATAAGGAAAAACTACAGTTATTTATTACCCCAGAAG-3'
Protein context (NP_000050.3, residues 676-696): CSNNTVISQD[Leu686Val]DYKEAKCNKE

ClinVar aggregate classification (germline): Uncertain significance. Review status: criteria provided, multiple submitters, no conflicts (2 of 4 stars). 2 submissions from 2 submitters: Uncertain significance (2). Last evaluated 2023-11-02.

Conditions:
Hereditary breast ovarian cancer syndrome. Also called: Hereditary breast and ovarian cancer; Hereditary breast and/or ovarian cancer syndrome; Breast and ovarian cancer; BRCA1- and BRCA2-Associated Hereditary Breast and Ovarian Cancer; Hereditary breast and ovarian cancer syndrome; Hereditary breast and ovarian cancer syndrome (HBOC). Identifiers: Orphanet 145, MedGen C0677776, MeSH D061325, MONDO:0003582. Disease mechanism: loss of function.
Breast-ovarian cancer, familial, susceptibility to, 2 (BROVCA2). Also called: BRCA2 Hereditary Breast and Ovarian Cancer. Identifiers: Orphanet 145, MedGen C2675520, MONDO:0012933, OMIM 612555. Disease mechanism: loss of function.

Submissions (2):

All of Us Research Program, National Institutes of Health
Classification: Uncertain significance for Breast-ovarian cancer, familial, susceptibility to, 2. Last evaluated: 2023-11-02. Review status: criteria provided, single submitter. Criteria: ACMG Guidelines, 2015. Collection method: clinical testing. Allele origin: germline. Inheritance: Autosomal dominant inheritance. Observed: 1 variant allele, 1 heterozygote.
Comment: This missense variant replaces leucine with valine at codon 686 of the BRCA2 protein. Computational prediction suggests that this variant may not impact protein structure and function (internally defined REVEL score threshold <= 0.5, PMID: 27666373). To our knowledge, functional studies have not been reported for this variant. This variant has not been reported in individuals affected with BRCA2-related disorders in the literature. This variant has not been identified in the general population by the Genome Aggregation Database (gnomAD). The available evidence is insufficient to determine the role of this variant in disease conclusively. Therefore, this variant is classified as a Variant of Uncertain Significance.

This study involves interpretation of variants in research participants for the purpose of population health screening. Participant phenotype was not available at the time of variant classification. Additional details can be found in publication PMID: 35346344, PMCID: PMC8962531

Labcorp Genetics (formerly Invitae), Labcorp
Classification: Uncertain significance for Hereditary breast ovarian cancer syndrome. Last evaluated: 2022-12-21. Review status: criteria provided, single submitter. Criteria: Invitae Variant Classification Sherloc (09022015). Collection method: clinical testing. Allele origin: germline.
Comment: This sequence change replaces leucine, which is neutral and non-polar, with valine, which is neutral and non-polar, at codon 686 of the BRCA2 protein (p.Leu686Val). This variant is not present in population databases (gnomAD no frequency). This variant has not been reported in the literature in individuals affected with BRCA2-related conditions. Advanced modeling of protein sequence and biophysical properties (such as structural, functional, and spatial information, amino acid conservation, physicochemical variation, residue mobility, and thermodynamic stability) performed at Invitae indicates that this missense variant is not expected to disrupt BRCA2 protein function. In summary, the available evidence is currently insufficient to determine the role of this variant in disease. Therefore, it has been classified as a Variant of Uncertain Significance.